The following is an entry in ClinVar:

ClinVar aggregate classification (germline): Pathogenic. Review status: criteria provided, multiple submitters, no conflicts (2 of 4 stars). 2 submissions from 2 submitters: Pathogenic (2). Last evaluated 2024-01-09.

Conditions:
Familial thoracic aortic aneurysm and aortic dissection (TAAD). Also called: Thoracic aortic aneurysms and dissections. Identifiers: Orphanet 91387, MedGen C4707243, MONDO:0019625.
Marfan syndrome (MFS). Also called: FBN1-Related Marfan Syndrome; Marfan's syndrome; MARFAN SYNDROME, TYPE I; Marfan syndrome type 1; Marfan syndrome, classic. Identifiers: Orphanet 284963, Orphanet 558, MedGen C0024796, MONDO:0007947, OMIM 154700.

Submissions (2):

GeneDx
Classification: Pathogenic. Last evaluated: 2024-01-09. Review status: criteria provided, single submitter. Criteria: GeneDx Variant Classification Process June 2021. Collection method: clinical testing. Allele origin: germline. Affected: yes.
Comment: Has not been previously published as pathogenic or benign to our knowledge; Not observed at significant frequency in large population cohorts (gnomAD); Nonsense variant predicted to result in protein truncation or nonsense mediated decay in a gene for which loss-of-function is a known mechanism of disease

Labcorp Genetics (formerly Invitae), Labcorp
Classification: Pathogenic for Marfan syndrome; Familial thoracic aortic aneurysm and aortic dissection. Last evaluated: 2019-05-07. Review status: criteria provided, single submitter. Criteria: Invitae Variant Classification Sherloc (09022015). Collection method: clinical testing. Allele origin: germline.
Comment: Algorithms developed to predict the effect of sequence changes on RNA splicing suggest that this variant may create or strengthen a splice site, but this prediction has not been confirmed by published transcriptional studies. This variant has not been reported in the literature in individuals with FBN1-related conditions. This variant is not present in population databases (ExAC no frequency). This sequence change creates a premature translational stop signal (p.Glu2417*) in the FBN1 gene. It is expected to result in an absent or disrupted protein product. Loss-of-function variants in FBN1 are known to be pathogenic (PMID: 17657824, 19293843). For these reasons, this variant has been classified as Pathogenic.

Literature cited by the submitters: PubMed 17657824 (cited by Labcorp Genetics (formerly Invitae), Labcorp); PubMed 19293843 (cited by Labcorp Genetics (formerly Invitae), Labcorp).

NM_000138.5(FBN1):c.7249G>T (p.Glu2417Ter)

Gene: FBN1 (fibrillin 1; minus strand). Cytogenetic location: 15q21.1.
Variant type: single nucleotide variant.
Coding change: c.7249G>T on transcript NM_000138.5 (MANE Select); coding-DNA position 7249, G replaced by T.
Protein change: p.Glu2417Ter; replaces glutamic acid 2417 with a stop codon.
Molecular consequence: nonsense.
Genome position (GRCh38, 1-based): chr15:48,425,820, C>A on the plus strand (G>T on the coding strand, the complement: FBN1 is on the minus strand). VCF-style: chr15-48425820-C-A. GRCh37 (hg19) VCF-style: chr15-48718017-C-A.
Other names: short protein forms E2417*.
Identifiers: ClinVar variation 849713 (VCV000849713.8), dbSNP rs2042974889, ClinGen allele CA392328761.
Genomic context (GRCh38, chr15:48,425,820, plus strand): 5'-TATCTGGAGTGTACCCAGTTTTACAAATGCAATGATATGATCCTCTGTCATTGACACATT[C>A]CCCATTTCGGCAAACATCGTGAATAACCTTGCATTCATCGATATCTGTAATTTAACAAAT-3'